The following is an entry in ClinVar:

ClinVar aggregate classification (germline): Uncertain significance (1 of 4 stars; one submission).

Allele frequency attached by ClinVar (database versions not stated): gnomAD exomes 0.00001.
gnomAD v4.1: 9 of 1,613,112 alleles (0.00056%); highest among the groups gnomAD compares: Middle Eastern, 0.033%; 1 homozygote.

Submission:

Labcorp Genetics (formerly Invitae), Labcorp
Classification: Uncertain significance. Last evaluated: 2023-07-17. Review status: criteria provided, single submitter. Criteria: Invitae Variant Classification Sherloc (09022015). Collection method: clinical testing. Allele origin: germline.
Comment: In summary, the available evidence is currently insufficient to determine the role of this variant in disease. Therefore, it has been classified as a Variant of Uncertain Significance. Algorithms developed to predict the effect of missense changes on protein structure and function output the following: SIFT: "Not Available"; PolyPhen-2: "Benign"; Align-GVGD: "Not Available". The valine amino acid residue is found in multiple mammalian species, which suggests that this missense change does not adversely affect protein function. ClinVar contains an entry for this variant (Variation ID: 1381703). This variant has not been reported in the literature in individuals affected with CCDC88A-related conditions. This variant is not present in population databases (gnomAD no frequency). This sequence change replaces isoleucine, which is neutral and non-polar, with valine, which is neutral and non-polar, at codon 286 of the CCDC88A protein (p.Ile286Val).

NM_001365480.1(CCDC88A):c.856A>G (p.Ile286Val)

Gene: CCDC88A (coiled-coil and HOOK domain protein 88A; minus strand). Cytogenetic location: 2p16.1.
Variant type: single nucleotide variant.
Coding change: c.856A>G on transcript NM_001365480.1 (MANE Select); coding-DNA position 856, A replaced by G.
Protein change: p.Ile286Val; replaces isoleucine 286 with valine.
Molecular consequence: missense variant.
Genome position (GRCh38, 1-based): chr2:55,349,544, T>C on the plus strand (A>G on the coding strand, the complement: CCDC88A is on the minus strand). VCF-style: chr2-55349544-T-C. GRCh37 (hg19) VCF-style: chr2-55576680-T-C.
Other names: c.856A>G, p.Ile286Val (NM_001135597.2, NM_001254943.2, NM_018084.5); short protein forms I286V.
Identifiers: ClinVar variation 1381703 (VCV001381703.8), dbSNP rs2104742345, ClinGen allele CA346908544.